The following is an entry in ClinVar:

ClinVar aggregate classification (germline): Uncertain significance. Review status: criteria provided, multiple submitters, no conflicts (2 of 4 stars). 3 submissions from 3 submitters: Uncertain significance (3). Last evaluated 2025-12-29.

Conditions:
Hemochromatosis type 4 (HFE4). Also called: HEMOCHROMATOSIS DUE TO DEFECT IN FERROPORTIN; HEMOCHROMATOSIS, AUTOSOMAL DOMINANT; Ferroportin disease. Identifiers: Orphanet 139491, Orphanet 647834, Orphanet 648562, MedGen C1853733, MONDO:0011631, OMIM 606069.

Submissions (3):

Center for Genomic Medicine, Rigshospitalet, Copenhagen University Hospital
Classification: Uncertain significance. Last evaluated: 2025-12-29. Review status: criteria provided, single submitter. Criteria: ACMG Guidelines, 2015. Collection method: clinical testing. Allele origin: germline.

Labcorp Genetics (formerly Invitae), Labcorp
Classification: Uncertain significance for Hemochromatosis type 4. Last evaluated: 2024-03-01. Review status: criteria provided, single submitter. Criteria: Invitae Variant Classification Sherloc (09022015). Collection method: clinical testing. Allele origin: germline.
Comment: This sequence change replaces valine, which is neutral and non-polar, with isoleucine, which is neutral and non-polar, at codon 63 of the SLC40A1 protein (p.Val63Ile). This variant is not present in population databases (gnomAD no frequency). This variant has not been reported in the literature in individuals affected with SLC40A1-related conditions. ClinVar contains an entry for this variant (Variation ID: 2575390). Advanced modeling of protein sequence and biophysical properties (such as structural, functional, and spatial information, amino acid conservation, physicochemical variation, residue mobility, and thermodynamic stability) performed at Invitae indicates that this missense variant is not expected to disrupt SLC40A1 protein function with a negative predictive value of 80%. In summary, the available evidence is currently insufficient to determine the role of this variant in disease. Therefore, it has been classified as a Variant of Uncertain Significance.

Blueprint Genetics
Classification: Uncertain significance. Last evaluated: 2022-11-24. Review status: criteria provided, single submitter. Criteria: ACMG Guidelines, 2015. Collection method: clinical testing. Allele origin: germline.

NM_014585.6(SLC40A1):c.187G>A (p.Val63Ile)

Gene: SLC40A1 (solute carrier family 40 member 1; minus strand). Cytogenetic location: 2q32.2.
Variant type: single nucleotide variant.
Coding change: c.187G>A on transcript NM_014585.6 (MANE Select); coding-DNA position 187, G replaced by A.
Protein change: p.Val63Ile; replaces valine 63 with isoleucine.
Molecular consequence: missense variant.
Genome position (GRCh38, 1-based): chr2:189,575,245, C>T on the plus strand (G>A on the coding strand, the complement: SLC40A1 is on the minus strand). VCF-style: chr2-189575245-C-T. GRCh37 (hg19) VCF-style: chr2-190439971-C-T.
Other names: short protein forms V63I.
Identifiers: ClinVar variation 2575390 (VCV002575390.7), dbSNP rs2468780515, ClinGen allele CA349989765.
Genomic context (GRCh38, chr2:189,575,245, plus strand): 5'-CCCAGTCACCGATGATGGCTCCCAGGACCAGAACAGACCCTGCCACCACCAGCCCGTAGA[C>T]TGCTGTCAAAAGGAGGCTGTTTCCATAGAGCTCTACCAGAAACACAGACACCGCAAAGTG-3'
Protein context (NP_055400.1, residues 53-73): LYGNSLLLTA[Val63Ile]YGLVVAGSVL